The following is an entry in ClinVar:

NM_001374828.1(ARID1B):c.3719A>G (p.Asn1240Ser)

Gene: ARID1B (AT-rich interaction domain 1B; plus strand). Cytogenetic location: 6q25.3.
Variant type: single nucleotide variant.
Coding change: c.3719A>G on transcript NM_001374828.1 (MANE Select); coding-DNA position 3719, A replaced by G.
Protein change: p.Asn1240Ser; replaces asparagine 1240 with serine.
Molecular consequence: missense variant.
Genome position (GRCh38, 1-based): chr6:157,184,235, A>G. VCF-style: chr6-157184235-A-G. GRCh37 (hg19) VCF-style: chr6-157505369-A-G.
Other names: c.1220A>G, p.Asn407Ser (NM_001363725.2); c.3599A>G, p.Asn1200Ser (NM_001371656.1, NM_001374820.1); c.3560A>G, p.Asn1187Ser (NM_017519.3); c.3350A>G (NM_020732.3); short protein forms N1187S, N1200S, N1240S, N407S.
Identifiers: ClinVar variation 3363951 (VCV003363951.1).
Genomic context (GRCh38, chr6:157,184,235, plus strand): 5'-GGCTTTAAACAAGCCACTTTGTTGCAAACCAATGATCCTGCCGTGTTTTTCACTAGGTTA[A>G]TAAAAACAAGAAGTGGCGTGAGCTGGCAACCAACCTAAACGTTGGCACCTCAAGCAGTGC-3'
Protein context (NP_001361757.1, residues 1230-1250): VKEIGGLAQV[Asn1240Ser]KNKKWRELAT

ClinVar aggregate classification (germline): Uncertain significance (1 of 4 stars; one submission).

gnomAD v4.1: 14 of 1,603,680 alleles (0.00087%); highest among the groups gnomAD compares: East Asian, 0.0022%; no homozygotes.

Submission:

GeneDx
Classification: Uncertain significance. Last evaluated: 2023-11-06. Review status: criteria provided, single submitter. Criteria: GeneDx Variant Classification Process June 2021. Collection method: clinical testing. Allele origin: germline. Affected: yes.
Comment: In silico analysis supports that this missense variant has a deleterious effect on protein structure/function; Has not been previously published as pathogenic or benign to our knowledge